The following is an entry in ClinVar:

ClinVar aggregate classification (germline): Uncertain significance (1 of 4 stars; one submission).

Conditions:
Kohlschutter-Tonz syndrome-like. Also called: DEN HOED-DE BOER-VOISIN SYNDROME. Identifiers: MedGen C5543202, MONDO:0030990, OMIM 619229.
Developmental delay with dysmorphic facies and dental anomalies. Identifiers: MedGen C5543197, MONDO:0030988, OMIM 619228.

Submission:

Institute of Immunology and Genetics Kaiserslautern
Classification: Uncertain significance for Developmental delay with dysmorphic facies and dental anomalies; Kohlschutter-Tonz syndrome-like. Last evaluated: 2024-03-26. Review status: criteria provided, single submitter. Criteria: ACMG Guidelines, 2015. Collection method: clinical testing. Allele origin: germline. Affected: yes.
Comment: ACMG Criteria: PM2_P, PM4 Variant was found in heterozygous state

NM_002971.6(SATB1):c.1801CAG[14] (p.Gln607_Ala608insGlnGlnGlnGlnGlnGlnGln)

Gene: SATB1 (SATB homeobox 1; minus strand). Cytogenetic location: 3p24.3.
Variant type: Microsatellite.
Coding change: c.1801CAG[14] on transcript NM_002971.6 (MANE Select); 14 copies in a row of the 3-base unit CAG starting at c.1801; the reference has seven copies in a row; seven copies, 21 bases duplicated; also written c.1801_1821dup.
Protein change: p.Gln607_Ala608insGlnGlnGlnGlnGlnGlnGln.
Molecular consequence: inframe insertion.
Genome position (GRCh38, 1-based): chr3:18,349,641-18,349,661, CTGCTGCTGCTGCTGCTGCTG duplicated on the plus strand (CAGCAGCAGCAGCAGCAGCAG on the coding strand, the reverse complement: SATB1 is on the minus strand). VCF-style (leftmost placement, unchanged base first): chr3-18349640-C-CCTGCTGCTGCTGCTGCTGCTG. GRCh37 (hg19) VCF-style: chr3-18391132-C-CCTGCTGCTGCTGCTGCTGCTG.
Other names: c.1801CAG[14], p.Gln607_Ala608insGlnGlnGlnGlnGlnGlnGln (NM_001131010.4, NM_001322872.2, NM_001322873.2 and 2 more transcripts); c.1897CAG[14], p.Gln639_Ala640insGlnGlnGlnGlnGlnGlnGln (NM_001195470.3, NM_001322871.2); c.1585CAG[14], p.Gln535_Ala536insGlnGlnGlnGlnGlnGlnGln (NM_001322876.2); c.1801_1821dup (NM_002971.6).
Identifiers: ClinVar variation 3235071 (VCV003235071.1), dbSNP rs759934751, ClinGen allele CA2825001197.